The following is an entry in ClinVar:

ClinVar aggregate classification (germline): Uncertain significance (1 of 4 stars; one submission).

gnomAD v4.1: 1 of 1,532,094 alleles (0.000065%); highest among the groups gnomAD compares: African/African-American, 0.0014%; no homozygotes.

Submission:

Labcorp Genetics (formerly Invitae), Labcorp
Classification: Uncertain significance. Last evaluated: 2022-09-27. Review status: criteria provided, single submitter. Criteria: Invitae Variant Classification Sherloc (09022015). Collection method: clinical testing. Allele origin: germline.
Comment: In summary, the available evidence is currently insufficient to determine the role of this variant in disease. Therefore, it has been classified as a Variant of Uncertain Significance. ClinVar contains an entry for this variant (Variation ID: 1026053). This variant has not been reported in the literature in individuals affected with C1QTNF5-related conditions. This variant is not present in population databases (gnomAD no frequency). This sequence change replaces threonine, which is neutral and polar, with proline, which is neutral and non-polar, at codon 37 of the C1QTNF5 protein (p.Thr37Pro). Algorithms developed to predict the effect of missense changes on protein structure and function are either unavailable or do not agree on the potential impact of this missense change (SIFT: "Tolerated"; PolyPhen-2: "Probably Damaging"; Align-GVGD: "Class C0").

NM_001278431.2(C1QTNF5):c.109A>C (p.Thr37Pro)

Genes: C1QTNF5 (C1q and TNF related 5; minus strand), MFRP (membrane frizzled-related protein; minus strand). Cytogenetic location: 11q23.3.
Variant type: single nucleotide variant.
Coding change: c.109A>C on transcript NM_001278431.2 (MANE Select); coding-DNA position 109, A replaced by C.
Protein change: p.Thr37Pro; replaces threonine 37 with proline.
Molecular consequence: missense variant. On other transcripts: 3 prime UTR variant (1).
Genome position (GRCh38, 1-based): chr11:119,340,289, T>G on the plus strand (A>C on the coding strand, the complement: C1QTNF5 is on the minus strand). VCF-style: chr11-119340289-T-G. GRCh37 (hg19) VCF-style: chr11-119210999-T-G.
Other names: c.109A>C, p.Thr37Pro (NM_015645.5); c.*1005A>C (NM_031433.4); short protein forms T37P.
Identifiers: ClinVar variation 1026053 (VCV001026053.10), dbSNP rs1196633355, ClinGen allele CA382970798.